The following is an entry in ClinVar:

NM_001374828.1(ARID1B):c.5558A>G (p.Lys1853Arg)

Gene: ARID1B (AT-rich interaction domain 1B; plus strand). Cytogenetic location: 6q25.3.
Variant type: single nucleotide variant.
Coding change: c.5558A>G on transcript NM_001374828.1 (MANE Select); coding-DNA position 5558, A replaced by G.
Protein change: p.Lys1853Arg; replaces lysine 1853 with arginine.
Molecular consequence: missense variant.
Genome position (GRCh38, 1-based): chr6:157,206,330, A>G. VCF-style: chr6-157206330-A-G. GRCh37 (hg19) VCF-style: chr6-157527464-A-G.
Other names: c.5189A>G, p.Lys1730Arg (NM_020732.3); c.4976A>G, p.Lys1659Arg (NM_175863.2); c.5309A>G, p.Lys1770Arg (NM_001346813.1); c.3059A>G, p.Lys1020Arg (NM_001363725.2); c.5438A>G, p.Lys1813Arg (NM_001371656.1, NM_001374820.1); c.5399A>G, p.Lys1800Arg (NM_017519.3); short protein forms K1659R, K1853R, K1020R, K1730R, K1800R, K1813R, K1770R.
Identifiers: ClinVar variation 2894658 (VCV002894658.4), dbSNP rs1040854960, ClinGen allele CA150378064.

ClinVar aggregate classification (germline): Conflicting classifications of pathogenicity. Review status: criteria provided, conflicting classifications (1 of 4 stars). 2 submissions from 2 submitters: Uncertain significance (1); Likely benign (1). Last evaluated 2026-06-10.

Conditions:
Inborn genetic diseases. Identifiers: MedGen C0950123, MeSH D030342.

gnomAD v4.1: 2 of 1,614,186 alleles (0.00012%); highest among the groups gnomAD compares: African/African-American, 0.0013%; no homozygotes.

Submissions (2):

Ambry Genetics
Classification: Likely benign for Inborn genetic diseases. Last evaluated: 2026-06-10. Review status: criteria provided, single submitter. Criteria: Ambry Variant Classification Scheme 2023. Collection method: clinical testing. Allele origin: germline.

Labcorp Genetics (formerly Invitae), Labcorp
Classification: Uncertain significance. Last evaluated: 2023-12-21. Review status: criteria provided, single submitter. Criteria: Invitae Variant Classification Sherloc (09022015). Collection method: clinical testing. Allele origin: germline.
Comment: This sequence change replaces lysine, which is basic and polar, with arginine, which is basic and polar, at codon 1730 of the ARID1B protein (p.Lys1730Arg). This variant is not present in population databases (gnomAD no frequency). This variant has not been reported in the literature in individuals affected with ARID1B-related conditions. Algorithms developed to predict the effect of missense changes on protein structure and function output the following: SIFT: "Not Available"; PolyPhen-2: "Benign"; Align-GVGD: "Not Available". The arginine amino acid residue is found in multiple mammalian species, which suggests that this missense change does not adversely affect protein function. In summary, the available evidence is currently insufficient to determine the role of this variant in disease. Therefore, it has been classified as a Variant of Uncertain Significance.